The following is an entry in ClinVar:

ClinVar aggregate classification (germline): Uncertain significance (1 of 4 stars; one submission).

Allele frequency attached by ClinVar (database versions not stated): gnomAD exomes below 0.00001.

Submission:

Labcorp Genetics (formerly Invitae), Labcorp
Classification: Uncertain significance. Last evaluated: 2023-08-27. Review status: criteria provided, single submitter. Criteria: Invitae Variant Classification Sherloc (09022015). Collection method: clinical testing. Allele origin: germline.
Comment: This sequence change replaces glutamine, which is neutral and polar, with lysine, which is basic and polar, at codon 101 of the THPO protein (p.Gln101Lys). This variant is not present in population databases (gnomAD no frequency). In summary, the available evidence is currently insufficient to determine the role of this variant in disease. Therefore, it has been classified as a Variant of Uncertain Significance. Advanced modeling of protein sequence and biophysical properties (such as structural, functional, and spatial information, amino acid conservation, physicochemical variation, residue mobility, and thermodynamic stability) has been performed at Invitae for this missense variant, however the output from this modeling did not meet the statistical confidence thresholds required to predict the impact of this variant on THPO protein function. This variant has not been reported in the literature in individuals affected with THPO-related conditions.

NM_000460.4(THPO):c.301C>A (p.Gln101Lys)

Gene: THPO (thrombopoietin; minus strand). Cytogenetic location: 3q27.1.
Variant type: single nucleotide variant.
Coding change: c.301C>A on transcript NM_000460.4 (MANE Select); coding-DNA position 301, C replaced by A.
Protein change: p.Gln101Lys; replaces glutamine 101 with lysine.
Molecular consequence: missense variant.
Genome position (GRCh38, 1-based): chr3:184,373,510, G>T on the plus strand (C>A on the coding strand, the complement: THPO is on the minus strand). VCF-style: chr3-184373510-G-T. GRCh37 (hg19) VCF-style: chr3-184091298-G-T.
Other names: c.301C>A, p.Gln101Lys (NM_001177597.2, NM_001177598.2, NM_001289997.1 and 5 more transcripts); c.721C>A, p.Gln241Lys (NM_001290003.1); short protein forms Q101K, Q241K.
Identifiers: ClinVar variation 2913723 (VCV002913723.3), dbSNP rs2474334978, ClinGen allele CA355462806.